The following is an entry in ClinVar:

NM_001292063.2(OTOG):c.6405C>T (p.Thr2135=)

Gene: OTOG (otogelin; plus strand). Cytogenetic location: 11p15.1.
Variant type: single nucleotide variant.
Coding change: c.6405C>T on transcript NM_001292063.2 (MANE Select); coding-DNA position 6405, C replaced by T.
Protein change: p.Thr2135=; no amino-acid change (threonine 2135 retained).
Molecular consequence: synonymous variant.
Genome position (GRCh38, 1-based): chr11:17,612,732, C>T. VCF-style: chr11-17612732-C-T. GRCh37 (hg19) VCF-style: chr11-17634279-C-T.
Other names: c.6441C>T, p.Thr2147= (NM_001277269.2).
Identifiers: ClinVar variation 597746 (VCV000597746.20), dbSNP rs187255209, ClinGen allele CA5906024.

ClinVar aggregate classification (germline): Conflicting classifications of pathogenicity. Review status: criteria provided, conflicting classifications (1 of 4 stars). 3 submissions from 3 submitters: Uncertain significance (1); Likely benign (2). Last evaluated 2025-06-01.

Allele frequency attached by ClinVar (database versions not stated): gnomAD 0.00006 and 0.00007; TOPMed 0.00009; gnomAD exomes 0.00014; 1000 Genomes Project 0.00020; 1000 Genomes Project 30x 0.00031; ExAC 0.00032.
gnomAD v4.1: 144 of 1,550,596 alleles (0.0093%); highest among the groups gnomAD compares: East Asian, 0.12%; 1 homozygote.

Submissions (3):

CeGaT Center for Human Genetics Tuebingen
Classification: Likely benign. Last evaluated: 2025-06-01. Review status: criteria provided, single submitter. Criteria: CeGaT Center For Human Genetics Tuebingen Variant Classification Criteria Version 2. Collection method: clinical testing. Allele origin: germline. Affected: yes. Observed: 1 variant allele.
Comment: OTOG: BP4, BP7

Labcorp Genetics (formerly Invitae), Labcorp
Classification: Likely benign. Last evaluated: 2025-04-15. Review status: criteria provided, single submitter. Criteria: Invitae Variant Classification Sherloc (09022015). Collection method: clinical testing. Allele origin: germline.

Eurofins Ntd Llc (ga)
Classification: Uncertain significance. Last evaluated: 2018-06-26. Review status: criteria provided, single submitter. Criteria: EGL ClinVar v180209 classification definitions. Collection method: clinical testing. Allele origin: germline. Observed: 1 variant allele, 1 heterozygote.